The following is an entry in ClinVar:

NM_031407.7(HUWE1):c.10720T>G (p.Ser3574Ala)

Gene: HUWE1 (HECT, UBA and WWE domain containing E3 ubiquitin protein ligase 1; minus strand). Cytogenetic location: Xp11.22.
Variant type: single nucleotide variant.
Coding change: c.10720T>G on transcript NM_031407.7 (MANE Select); coding-DNA position 10720, T replaced by G.
Protein change: p.Ser3574Ala; replaces serine 3574 with alanine.
Molecular consequence: missense variant.
Genome position (GRCh38, 1-based): chrX:53,546,742, A>C on the plus strand (T>G on the coding strand, the complement: HUWE1 is on the minus strand). VCF-style: chrX-53546742-A-C. GRCh37 (hg19) VCF-style: chrX-53573703-A-C.
Other names: short protein forms S3574A.
Identifiers: ClinVar variation 2811333 (VCV002811333.3), dbSNP rs2523027669, ClinGen allele CA413134964.

ClinVar aggregate classification (germline): Uncertain significance (1 of 4 stars; one submission).

Allele frequency attached by ClinVar (database versions not stated): gnomAD exomes below 0.00001.
gnomAD v4.1: 2 of 1,211,464 alleles (0.00017%); highest among the groups gnomAD compares: Non-Finnish European, 0.00022%; no homozygotes.

Submission:

Labcorp Genetics (formerly Invitae), Labcorp
Classification: Uncertain significance. Last evaluated: 2024-02-23. Review status: criteria provided, single submitter. Criteria: Invitae Variant Classification Sherloc (09022015). Collection method: clinical testing. Allele origin: germline.
Comment: This sequence change replaces serine, which is neutral and polar, with alanine, which is neutral and non-polar, at codon 3574 of the HUWE1 protein (p.Ser3574Ala). This variant is not present in population databases (gnomAD no frequency). This variant has not been reported in the literature in individuals affected with HUWE1-related conditions. Advanced modeling of protein sequence and biophysical properties (such as structural, functional, and spatial information, amino acid conservation, physicochemical variation, residue mobility, and thermodynamic stability) has been performed at Invitae for this missense variant, however the output from this modeling did not meet the statistical confidence thresholds required to predict the impact of this variant on HUWE1 protein function. In summary, the available evidence is currently insufficient to determine the role of this variant in disease. Therefore, it has been classified as a Variant of Uncertain Significance.